The following is an entry in ClinVar:

ClinVar aggregate classification (germline): Uncertain significance (1 of 4 stars; one submission).

Conditions:
Hajdu-Cheney syndrome (HJCYS). Also called: ACROOSTEOLYSIS WITH OSTEOPOROSIS AND CHANGES IN SKULL AND MANDIBLE; SERPENTINE FIBULA-POLYCYSTIC KIDNEY SYNDROME; Acroosteolysis dominant type. Identifiers: Orphanet 955, MedGen C0917715, MONDO:0007057, OMIM 102500.

Submission:

Labcorp Genetics (formerly Invitae), Labcorp
Classification: Uncertain significance for Hajdu-Cheney syndrome. Last evaluated: 2024-04-25. Review status: criteria provided, single submitter. Criteria: Invitae Variant Classification Sherloc (09022015). Collection method: clinical testing. Allele origin: germline.
Comment: This sequence change replaces glutamine, which is neutral and polar, with glutamic acid, which is acidic and polar, at codon 866 of the NOTCH2 protein (p.Gln866Glu). This variant is not present in population databases (gnomAD no frequency). This variant has not been reported in the literature in individuals affected with NOTCH2-related conditions. Advanced modeling of protein sequence and biophysical properties (such as structural, functional, and spatial information, amino acid conservation, physicochemical variation, residue mobility, and thermodynamic stability) performed at Invitae indicates that this missense variant is not expected to disrupt NOTCH2 protein function with a negative predictive value of 80%. In summary, the available evidence is currently insufficient to determine the role of this variant in disease. Therefore, it has been classified as a Variant of Uncertain Significance.

NM_024408.4(NOTCH2):c.2596C>G (p.Gln866Glu)

Gene: NOTCH2 (notch receptor 2; minus strand). Cytogenetic location: 1p12.
Variant type: single nucleotide variant.
Coding change: c.2596C>G on transcript NM_024408.4 (MANE Select); coding-DNA position 2596, C replaced by G.
Protein change: p.Gln866Glu; replaces glutamine 866 with glutamic acid.
Molecular consequence: missense variant.
Genome position (GRCh38, 1-based): chr1:119,949,010, G>C on the plus strand (C>G on the coding strand, the complement: NOTCH2 is on the minus strand). VCF-style: chr1-119949010-G-C. GRCh37 (hg19) VCF-style: chr1-120491633-G-C.
Other names: c.2596C>G, p.Gln866Glu (NM_001200001.2); short protein forms Q866E.
Identifiers: ClinVar variation 3651016 (VCV003651016.2).